The following is an entry in ClinVar:

NM_015443.4(KANSL1):c.1289+2T>C

Gene: KANSL1 (KAT8 regulatory NSL complex subunit 1). Cytogenetic location: 17q21.31.
Variant type: single nucleotide variant.
Coding change: c.1289+2T>C on transcript NM_015443.4 (MANE Select); the canonical splice donor site of the intron after coding-DNA position 1289, T replaced by C.
Molecular consequence: splice donor variant. On other transcripts: intron variant (4).
Genome position (GRCh38, 1-based): chr17:46,170,853, A>G on the plus strand (T>C on the coding strand, the complement: KANSL1 is on the minus strand). VCF-style: chr17-46170853-A-G. GRCh37 (hg19) VCF-style: chr17-44248219-A-G.
Other names: c.23+52818T>C (NM_001405885.1, NM_001405884.1, NM_001405883.1 and 1 more transcripts); c.1289+2T>C (NM_001405881.1, NM_001405861.1, NM_001405859.1 and 18 more transcripts).
Identifiers: ClinVar variation 4278946 (VCV004278946.1).

ClinVar aggregate classification (germline): Likely pathogenic (1 of 4 stars; one submission).

Conditions:
Koolen-de Vries syndrome (KDVS). Identifiers: Orphanet 96169, MedGen C1864871, MONDO:0012496, OMIM 610443.

Submission:

Kasturba Medical College, Manipal, Kasturba Medical College, Manipal, Manipal Academy of Higher Education, Manipal, India
Classification: Likely pathogenic for Koolen-de Vries syndrome. Review status: criteria provided, single submitter. Criteria: ACMG Guidelines, 2015. Collection method: research. Allele origin: de novo. Inheritance: Autosomal dominant inheritance. Affected: yes. Observed: 1 heterozygote.
Comment: This variant is absent in gnomAD database (v4.1.0) and in our in-house data of 3801 exomes. This canonical splice site variant is likely to cause aberrant splicing and lead to either the formation of a truncated protein or the transcript may undergo nonsense mediated mRNA decay.